The following is an entry in ClinVar:

NM_004999.4(MYO6):c.553+11T>C

Gene: MYO6 (myosin VI; plus strand). Cytogenetic location: 6q14.1.
Variant type: single nucleotide variant.
Coding change: c.553+11T>C on transcript NM_004999.4 (MANE Select); 11 bases into the intron after coding-DNA position 553, T replaced by C.
Molecular consequence: intron variant.
Genome position (GRCh38, 1-based): chr6:75,835,967, T>C. VCF-style: chr6-75835967-T-C. GRCh37 (hg19) VCF-style: chr6-76545684-T-C.
Other names: c.553+11T>C (NM_001368865.1, NM_001368866.1, NM_001368137.1 and 5 more transcripts).
Identifiers: ClinVar variation 45164 (VCV000045164.23), dbSNP rs12210963, ClinGen allele CA135643.

ClinVar aggregate classification (germline): Benign. Review status: criteria provided, multiple submitters, no conflicts (2 of 4 stars). 7 submissions from 6 submitters: Benign (7). Last evaluated 2026-02-03.

Conditions:
Autosomal dominant nonsyndromic hearing loss 22. Also called: Autosomal dominant nonsyndromic deafness 22; DFNA 22. Identifiers: Orphanet 228012, MedGen C2931767, MONDO:0011660, OMIM 606346.
Autosomal recessive nonsyndromic hearing loss 37. Identifiers: Orphanet 90636, MedGen C1843028, MONDO:0011912, OMIM 607821.

Allele frequency attached by ClinVar (database versions not stated): 1000 Genomes Project 30x 0.10072; 1000 Genomes Project 0.10264; gnomAD exomes 0.11835; ExAC 0.12146; TOPMed 0.12818; gnomAD 0.13010 and 0.13246; ESP Exome Variant Server 0.13811.
gnomAD v4.1: 217,496 of 1,583,646 alleles (14%); highest among the groups gnomAD compares: Non-Finnish European, 15%; 15,861 homozygotes.

Submissions (7):

Labcorp Genetics (formerly Invitae), Labcorp
Classification: Benign. Last evaluated: 2026-02-03. Review status: criteria provided, single submitter. Criteria: Invitae Variant Classification Sherloc (09022015). Collection method: clinical testing. Allele origin: germline.

Fulgent Genetics
Classification: Benign for Autosomal dominant nonsyndromic hearing loss 22; Autosomal recessive nonsyndromic hearing loss 37. Last evaluated: 2021-08-10. Review status: criteria provided, single submitter. Criteria: ACMG Guidelines, 2015. Collection method: clinical testing. Allele origin: unknown.

GeneDx
Classification: Benign. Last evaluated: 2018-06-24. Review status: criteria provided, single submitter. Criteria: GeneDx Variant Classification Process June 2021. Collection method: clinical testing. Allele origin: germline. Affected: yes.

Illumina Laboratory Services, Illumina
Classification: Benign for Autosomal dominant nonsyndromic hearing loss 22. Last evaluated: 2018-01-12. Review status: criteria provided, single submitter. Criteria: ICSL Variant Classification Criteria 13 December 2019. Collection method: clinical testing. Allele origin: germline.
Comment: This variant was observed in the ICSL laboratory as part of a predisposition screen in an ostensibly healthy population. It had not been previously curated by ICSL or reported in the Human Gene Mutation Database (HGMD: prior to June 1st, 2018), and was therefore a candidate for classification through an automated scoring system. Utilizing variant allele frequency, disease prevalence and penetrance estimates, and inheritance mode, an automated score was calculated to assess if this variant is too frequent to cause the disease. Based on the score and internal cut-off values, a variant classified as benign is not then subjected to further curation. The score for this variant resulted in a classification of benign for this disease.

Illumina Laboratory Services, Illumina
Classification: Benign for Autosomal recessive nonsyndromic hearing loss 37. Last evaluated: 2018-01-12. Review status: criteria provided, single submitter. Criteria: ICSL Variant Classification Criteria 13 December 2019. Collection method: clinical testing. Allele origin: germline.
Comment: the same text as in the submission from Illumina Laboratory Services, Illumina above.

Laboratory for Molecular Medicine, Mass General Brigham Personalized Medicine
Classification: Benign. Last evaluated: 2009-06-19. Review status: criteria provided, single submitter. Criteria: LMM Criteria. Collection method: clinical testing. Allele origin: germline. Observed: 422 variant alleles.

PreventionGenetics, part of Exact Sciences
Classification: Benign. Review status: criteria provided, single submitter. Criteria: ACMG Guidelines, 2015. Collection method: clinical testing. Allele origin: germline.